The following is an entry in ClinVar:

ClinVar aggregate classification (germline): Uncertain significance (1 of 4 stars; one submission).

Conditions:
Combined immunodeficiency due to ORAI1 deficiency. Also called: IMMUNODEFICIENCY 9. Identifiers: Orphanet 169090, Orphanet 317428, MedGen C2748568, MONDO:0013007, OMIM 612782.
Myopathy, tubular aggregate, 2 (TAM2). Identifiers: MedGen C4014557, MONDO:0014383, OMIM 615883.

Submission:

Labcorp Genetics (formerly Invitae), Labcorp
Classification: Uncertain significance for Myopathy, tubular aggregate, 2; Combined immunodeficiency due to ORAI1 deficiency. Last evaluated: 2025-05-17. Review status: criteria provided, single submitter. Criteria: Invitae Variant Classification Sherloc (09022015). Collection method: clinical testing. Allele origin: germline.
Comment: This sequence change replaces proline, which is neutral and non-polar, with alanine, which is neutral and non-polar, at codon 8 of the ORAI1 protein (p.Pro8Ala). This variant is not present in population databases (gnomAD no frequency). This variant has not been reported in the literature in individuals affected with ORAI1-related conditions. ClinVar contains an entry for this variant (Variation ID: 3762344). Experimental studies and prediction algorithms are not available or were not evaluated, and the functional significance of this variant is currently unknown. In summary, the available evidence is currently insufficient to determine the role of this variant in disease. Therefore, it has been classified as a Variant of Uncertain Significance.

NC_000012.12:g.121626764C>G

Genes: ORAI1 (ORAI calcium release-activated calcium modulator 1; plus strand), LOC130008987 (ATAC-STARR-seq lymphoblastoid silent region 4981; plus strand). Cytogenetic location: 12q24.31.
Variant type: single nucleotide variant.
Molecular consequence: non-coding transcript variant (on NR_186857.1).
Genome position: GRCh38 VCF-style: chr12-121626764-C-G. GRCh37 (hg19) VCF-style: chr12-122064669-C-G.
Identifiers: ClinVar variation 3762344 (VCV003762344.2).
Genomic context (GRCh38, chr12:121,626,764, plus strand): 5'-GCGGCGCCCGGGCCGGCCCGCGCCTCGGCGGCGTGCTCCATGCATCCGGAGCCCGCCCCG[C>G]CCCCGAGCCGCAGCAGTCCCGAGCTTCCCCCAAGCGGCGGCAGCACCACCAGCGGCAGCC-3'